The following is an entry in ClinVar:

NM_145064.3(STAC3):c.622G>C (p.Glu208Gln)

Gene: STAC3 (SH3 and cysteine rich domain 3; minus strand). Cytogenetic location: 12q13.3.
Variant type: single nucleotide variant.
Coding change: c.622G>C on transcript NM_145064.3 (MANE Select); coding-DNA position 622, G replaced by C.
Protein change: p.Glu208Gln; replaces glutamic acid 208 with glutamine.
Molecular consequence: missense variant.
Genome position (GRCh38, 1-based): chr12:57,245,193, C>G on the plus strand (G>C on the coding strand, the complement: STAC3 is on the minus strand). VCF-style: chr12-57245193-C-G. GRCh37 (hg19) VCF-style: chr12-57638976-C-G.
Other names: c.505G>C, p.Glu169Gln (NM_001286256.2); c.64G>C, p.Glu22Gln (NM_001286257.2); short protein forms E169Q, E22Q, E208Q.
Identifiers: ClinVar variation 1504418 (VCV001504418.8), dbSNP rs2037706930, ClinGen allele CA385412740.

ClinVar aggregate classification (germline): Uncertain significance (1 of 4 stars; one submission).

Conditions:
Bailey-Bloch congenital myopathy (CMYO13). Also called: Native American myopathy; Congenital myopathy 13; STAC3 disorder. Identifiers: Orphanet 168572, MedGen C1850625, MONDO:0009722, OMIM 255995.

Submission:

Labcorp Genetics (formerly Invitae), Labcorp
Classification: Uncertain significance for Bailey-Bloch congenital myopathy. Last evaluated: 2025-10-02. Review status: criteria provided, single submitter. Criteria: Invitae Variant Classification Sherloc (09022015). Collection method: clinical testing. Allele origin: germline.
Comment: This sequence change replaces glutamic acid, which is acidic and polar, with glutamine, which is neutral and polar, at codon 208 of the STAC3 protein (p.Glu208Gln). This variant is not present in population databases (gnomAD no frequency). This variant has not been reported in the literature in individuals affected with STAC3-related conditions. ClinVar contains an entry for this variant (Variation ID: 1504418). Invitae Evidence Modeling of protein sequence and biophysical properties (such as structural, functional, and spatial information, amino acid conservation, physicochemical variation, residue mobility, and thermodynamic stability) indicates that this missense variant is not expected to disrupt STAC3 protein function with a negative predictive value of 80%. In summary, the available evidence is currently insufficient to determine the role of this variant in disease. Therefore, it has been classified as a Variant of Uncertain Significance.